The following is an entry in ClinVar:

NM_003482.4(KMT2D):c.14239G>A (p.Ala4747Thr)

Gene: KMT2D (lysine methyltransferase 2D; minus strand). Cytogenetic location: 12q13.12.
Variant type: single nucleotide variant.
Coding change: c.14239G>A on transcript NM_003482.4 (MANE Select); coding-DNA position 14239, G replaced by A.
Protein change: p.Ala4747Thr; replaces alanine 4747 with threonine.
Molecular consequence: missense variant.
Genome position (GRCh38, 1-based): chr12:49,029,073, C>T on the plus strand (G>A on the coding strand, the complement: KMT2D is on the minus strand). VCF-style: chr12-49029073-C-T. GRCh37 (hg19) VCF-style: chr12-49422856-C-T.
Other names: short protein forms A4747T.
Identifiers: ClinVar variation 2012834 (VCV002012834.1), dbSNP rs2120391141, ClinGen allele CA384696957.

ClinVar aggregate classification (germline): Uncertain significance (1 of 4 stars; one submission).

Conditions:
Kabuki syndrome. Also called: Kabuki make-up syndrome; NIIKAWA-KUROKI SYNDROME. Identifiers: Orphanet 2322, MedGen C0796004, MONDO:0016512.

Submission:

Labcorp Genetics (formerly Invitae), Labcorp
Classification: Uncertain significance for Kabuki syndrome. Last evaluated: 2022-07-01. Review status: criteria provided, single submitter. Criteria: Invitae Variant Classification Sherloc (09022015). Collection method: clinical testing. Allele origin: germline.
Comment: This sequence change replaces alanine, which is neutral and non-polar, with threonine, which is neutral and polar, at codon 4747 of the KMT2D protein (p.Ala4747Thr). This variant is not present in population databases (gnomAD no frequency). This variant has not been reported in the literature in individuals affected with KMT2D-related conditions. Advanced modeling of protein sequence and biophysical properties (such as structural, functional, and spatial information, amino acid conservation, physicochemical variation, residue mobility, and thermodynamic stability) performed at Invitae indicates that this missense variant is not expected to disrupt KMT2D protein function. In summary, the available evidence is currently insufficient to determine the role of this variant in disease. Therefore, it has been classified as a Variant of Uncertain Significance.